The following is an entry in ClinVar:

ClinVar aggregate classification (germline): Uncertain significance (1 of 4 stars; one submission).

Conditions:
Jeune thoracic dystrophy. Also called: Short-rib thoracic dysplasia; Jeune syndrome; Infantile thoracic dystrophy; Thoracic pelvic phalangeal dystrophy; Jeune's syndrome; Chondroectodermal dysplasia-like syndrome. Identifiers: Orphanet 474, MedGen C0265275, MONDO:0018770.
Nephronophthisis. Also called: Juvenile Nephronophthisis. Identifiers: Orphanet 655, MedGen C0687120, MONDO:0019005, HP:0000090.

Allele frequency attached by ClinVar (database versions not stated): gnomAD exomes below 0.00001; TOPMed below 0.00001.
gnomAD v4.1: 1 of 1,607,688 alleles (0.000062%); highest among the groups gnomAD compares: South Asian, 0.0011%; no homozygotes.

Submission:

Labcorp Genetics (formerly Invitae), Labcorp
Classification: Uncertain significance for Jeune thoracic dystrophy; Nephronophthisis. Last evaluated: 2025-12-18. Review status: criteria provided, single submitter. Criteria: Invitae Variant Classification Sherloc (09022015). Collection method: clinical testing. Allele origin: germline.
Comment: This sequence change falls in intron 25 of the TTC21B gene. It does not directly change the encoded amino acid sequence of the TTC21B protein. It affects a nucleotide within the consensus splice site. This variant is present in population databases (no rsID available, gnomAD 0.003%). This variant has not been reported in the literature in individuals affected with TTC21B-related conditions. ClinVar contains an entry for this variant (Variation ID: 1405135). Variants that disrupt the consensus splice site are a relatively common cause of aberrant splicing (PMID: 17576681, 9536098). Algorithms developed to predict the effect of sequence changes on RNA splicing suggest that this variant may disrupt the consensus splice site. In summary, the available evidence is currently insufficient to determine the role of this variant in disease. Therefore, it has been classified as a Variant of Uncertain Significance.

Literature cited by the submitters: PubMed 17576681; PubMed 9536098.

NM_024753.5(TTC21B):c.3459+5G>T

Gene: TTC21B (tetratricopeptide repeat domain 21B; minus strand). Cytogenetic location: 2q24.3.
Variant type: single nucleotide variant.
Coding change: c.3459+5G>T on transcript NM_024753.5 (MANE Select); 5 bases into the intron after coding-DNA position 3459, G replaced by T.
Molecular consequence: intron variant.
Genome position (GRCh38, 1-based): chr2:165,888,274, C>A on the plus strand (G>T on the coding strand, the complement: TTC21B is on the minus strand). VCF-style: chr2-165888274-C-A. GRCh37 (hg19) VCF-style: chr2-166744784-C-A.
Identifiers: ClinVar variation 1405135 (VCV001405135.6), dbSNP rs1380985852, ClinGen allele CA537132371.